The following is an entry in ClinVar:

NM_000540.3(RYR1):c.14167C>G (p.Arg4723Gly)

Gene: RYR1 (ryanodine receptor 1; plus strand). Cytogenetic location: 19q13.2.
Variant type: single nucleotide variant.
Coding change: c.14167C>G on transcript NM_000540.3 (MANE Select); coding-DNA position 14167, C replaced by G.
Protein change: p.Arg4723Gly; replaces arginine 4723 with glycine.
Molecular consequence: missense variant.
Genome position (GRCh38, 1-based): chr19:38,575,956, C>G. VCF-style: chr19-38575956-C-G. GRCh37 (hg19) VCF-style: chr19-39066596-C-G.
Other names: c.14152C>G, p.Arg4718Gly (NM_001042723.2); short protein forms R4718G, R4723G.
Identifiers: ClinVar variation 3385617 (VCV003385617.2).

ClinVar aggregate classification (germline): Uncertain significance. Review status: criteria provided, multiple submitters, no conflicts (2 of 4 stars). 2 submissions from 2 submitters: Uncertain significance (2). Last evaluated 2025-06-17.

Conditions:
Malignant hyperthermia, susceptibility to, 1 (MHS1). Also called: Anesthesia related hyperthermia; Malignant hyperpyrexia; Fulminating hyperpyrexia; Pharmacogenic myopathy; Malignant hyperthermia suceptibility 1; RYR1-Related Malignant Hyperthermia Susceptibility. Identifiers: Orphanet 423, MedGen C2930980, MONDO:0007783, OMIM 145600.

Submissions (2):

Color Diagnostics, LLC DBA Color Health
Classification: Uncertain significance for Malignant hyperthermia, susceptibility to, 1. Last evaluated: 2025-06-17. Review status: criteria provided, single submitter. Criteria: ACMG Guidelines, 2015. Collection method: clinical testing. Allele origin: germline.
Comment: This missense variant replaces arginine with glycine at codon 4723 of the RYR1 protein. Computational prediction suggests that this variant may have deleterious impact on protein structure and function. To our knowledge, functional studies have not been reported for this variant. This variant has not been reported in individuals affected with RYR1-related disorders in the literature. This variant has not been identified in the general population by the Genome Aggregation Database (gnomAD). The available evidence is insufficient to determine the role of this variant in disease conclusively. Therefore, this variant is classified as a Variant of Uncertain Significance.

All of Us Research Program, National Institutes of Health
Classification: Uncertain significance for Malignant hyperthermia, susceptibility to, 1. Last evaluated: 2024-08-06. Review status: criteria provided, single submitter. Criteria: ACMG Guidelines, 2015. Collection method: clinical testing. Allele origin: germline. Inheritance: Autosomal dominant inheritance. Observed: 1 variant allele, 1 heterozygote.
Comment: This study involves interpretation of variants in research participants for the purpose of population health screening. Participant phenotype was not available at the time of variant classification. Additional details can be found in publication PMID: 35346344, PMCID: PMC8962531